The following is an entry in ClinVar:

ClinVar aggregate classification (germline): Uncertain significance (1 of 4 stars; one submission).

Conditions:
Emery-Dreifuss muscular dystrophy 5, autosomal dominant (EDMD5). Also called: EMERY-DREIFUSS MUSCULAR DYSTROPHY 5. Identifiers: Orphanet 261, MedGen C2751805, MONDO:0013072, OMIM 612999.

gnomAD v4.1: 10 of 1,614,106 alleles (0.00062%); highest among the groups gnomAD compares: South Asian, 0.0011%; no homozygotes.

Submission:

Labcorp Genetics (formerly Invitae), Labcorp
Classification: Uncertain significance for Emery-Dreifuss muscular dystrophy 5, autosomal dominant. Last evaluated: 2024-11-30. Review status: criteria provided, single submitter. Criteria: Invitae Variant Classification Sherloc (09022015). Collection method: clinical testing. Allele origin: germline.
Comment: This sequence change replaces isoleucine, which is neutral and non-polar, with threonine, which is neutral and polar, at codon 5548 of the SYNE2 protein (p.Ile5548Thr). This variant is present in population databases (no rsID available, gnomAD 0.0009%). This variant has not been reported in the literature in individuals affected with SYNE2-related conditions. An algorithm developed to predict the effect of missense changes on protein structure and function (PolyPhen-2) suggests that this variant is likely to be tolerated. In summary, the available evidence is currently insufficient to determine the role of this variant in disease. Therefore, it has been classified as a Variant of Uncertain Significance.

NM_182914.3(SYNE2):c.16643T>C (p.Ile5548Thr)

Gene: SYNE2 (spectrin repeat containing nuclear envelope protein 2; plus strand). Cytogenetic location: 14q23.2.
Variant type: single nucleotide variant.
Coding change: c.16643T>C on transcript NM_182914.3 (MANE Select); coding-DNA position 16643, T replaced by C.
Protein change: p.Ile5548Thr; replaces isoleucine 5548 with threonine.
Molecular consequence: missense variant.
Genome position (GRCh38, 1-based): chr14:64,167,270, T>C. VCF-style: chr14-64167270-T-C. GRCh37 (hg19) VCF-style: chr14-64633988-T-C.
Other names: c.16643T>C, p.Ile5548Thr (NM_015180.6); short protein forms I5548T.
Identifiers: ClinVar variation 3626467 (VCV003626467.2).